The following is an entry in ClinVar:

NM_177438.3(DICER1):c.608T>C (p.Leu203Ser)

Gene: DICER1 (dicer 1, ribonuclease III; minus strand). Cytogenetic location: 14q32.13.
Variant type: single nucleotide variant.
Coding change: c.608T>C on transcript NM_177438.3 (MANE Select); coding-DNA position 608, T replaced by C.
Protein change: p.Leu203Ser; replaces leucine 203 with serine.
Molecular consequence: missense variant. On other transcripts: 5 prime UTR variant (1), non-coding transcript variant (6).
Genome position (GRCh38, 1-based): chr14:95,129,598, A>G on the plus strand (T>C on the coding strand, the complement: DICER1 is on the minus strand). VCF-style: chr14-95129598-A-G. GRCh37 (hg19) VCF-style: chr14-95595935-A-G.
Other names: c.608T>C, p.Leu203Ser (NM_001195573.1, NM_001271282.3, NM_001291628.2 and 14 more transcripts); c.326T>C, p.Leu109Ser (NM_001395686.1); c.203T>C, p.Leu68Ser (NM_001395687.1, NM_001395688.1, NM_001395689.1 and 3 more transcripts); c.41T>C, p.Leu14Ser (NM_001395691.1); c.-961T>C (NM_001395697.1); short protein forms L109S, L68S, L14S, L203S.
Identifiers: ClinVar variation 3501888 (VCV003501888.1).

ClinVar aggregate classification (germline): Uncertain significance (1 of 4 stars; one submission).

Conditions:
Hereditary cancer-predisposing syndrome. Also called: Tumor predisposition; Neoplastic Syndromes, Hereditary; Hereditary Cancer Syndrome; Hereditary neoplastic syndrome. Identifiers: Orphanet 140162, MedGen C0027672, MeSH D009386, MONDO:0015356.

Submission:

Ambry Genetics
Classification: Uncertain significance for Hereditary cancer-predisposing syndrome. Last evaluated: 2024-08-26. Review status: criteria provided, single submitter. Criteria: Ambry Variant Classification Scheme 2023. Collection method: clinical testing. Allele origin: germline.
Comment: The p.L203S variant (also known as c.608T>C), located in coding exon 5 of the DICER1 gene, results from a T to C substitution at nucleotide position 608. The leucine at codon 203 is replaced by serine, an amino acid with dissimilar properties. This amino acid position is conserved. In addition, this alteration is predicted to be deleterious by in silico analysis. Based on the available evidence, the clinical significance of this variant remains unclear.